The following is an entry in ClinVar:

ClinVar aggregate classification (germline): Uncertain significance (1 of 4 stars; one submission).

Submission:

Labcorp Genetics (formerly Invitae), Labcorp
Classification: Uncertain significance. Last evaluated: 2021-04-19. Review status: criteria provided, single submitter. Criteria: Invitae Variant Classification Sherloc (09022015). Collection method: clinical testing. Allele origin: germline.
Comment: In summary, the available evidence is currently insufficient to determine the role of this variant in disease. Therefore, it has been classified as a Variant of Uncertain Significance. Algorithms developed to predict the effect of missense changes on protein structure and function are either unavailable or do not agree on the potential impact of this missense change (SIFT: "Tolerated"; PolyPhen-2: "Possibly Damaging"; Align-GVGD: "Class C0"). This variant has not been reported in the literature in individuals with POLE-related conditions. This variant is not present in population databases (ExAC no frequency). This sequence change replaces aspartic acid with glutamic acid at codon 2128 of the POLE protein (p.Asp2128Glu). The aspartic acid residue is moderately conserved and there is a small physicochemical difference between aspartic acid and glutamic acid.

NM_006231.4(POLE):c.6384C>G (p.Asp2128Glu)

Gene: POLE (DNA polymerase epsilon, catalytic subunit; minus strand). Cytogenetic location: 12q24.33.
Variant type: single nucleotide variant.
Coding change: c.6384C>G on transcript NM_006231.4 (MANE Select); coding-DNA position 6384, C replaced by G.
Protein change: p.Asp2128Glu; replaces aspartic acid 2128 with glutamic acid.
Molecular consequence: missense variant.
Genome position (GRCh38, 1-based): chr12:132,626,264, G>C on the plus strand (C>G on the coding strand, the complement: POLE is on the minus strand). VCF-style: chr12-132626264-G-C. GRCh37 (hg19) VCF-style: chr12-133202850-G-C.
Other names: short protein forms D2128E.
Identifiers: ClinVar variation 1388934 (VCV001388934.8), dbSNP rs758101414, ClinGen allele CA387367737.
Genomic context (GRCh38, chr12:132,626,264, plus strand): 5'-GCAGGGGTCTCGGAACTGGGCCTCCTCGGAGAACTCGCCGACATCCACCAGGCGAAGCAG[G>C]TCTCGGTTCAGCTTATTCACCTGGTTTGTGATGTTGGTGTCCAGGGACAGCACCTGCAGA-3'
Protein context (NP_006222.2, residues 2118-2138): ITNQVNKLNR[Asp2128Glu]LLRLVDVGEF